The following is an entry in ClinVar:

ClinVar aggregate classification (germline): Likely benign (1 of 4 stars; one submission).

Conditions:
Autism (AUTS). Also called: Autistic disorder; Autistic disorder of childhood onset. Identifiers: MedGen C0004352, MeSH D001321, MONDO:0005260, OMIM 209850, HP:0000717.

Submission:

State Key Lab of Medical Genetics, Central South University
Classification: Likely benign for Autism. Review status: criteria provided, single submitter. Criteria: Submitter's publication. Collection method: reference population. Allele origin: unknown. Affected: yes.
Comment: This variant was also observed in controls.

NM_000036.3(AMPD1):c.603T>A (p.Pro201=)

Gene: AMPD1 (adenosine monophosphate deaminase 1; minus strand). Cytogenetic location: 1p13.2.
Variant type: single nucleotide variant.
Coding change: c.603T>A on transcript NM_000036.3 (MANE Select); coding-DNA position 603, T replaced by A.
Protein change: p.Pro201=; no amino-acid change (proline 201 retained).
Molecular consequence: synonymous variant.
Genome position (GRCh38, 1-based): chr1:114,680,423, A>T on the plus strand (T>A on the coding strand, the complement: AMPD1 is on the minus strand). VCF-style: chr1-114680423-A-T. GRCh37 (hg19) VCF-style: chr1-115223044-A-T.
Other names: c.591T>A, p.Pro197= (NM_001172626.2).
Identifiers: ClinVar variation 91880 (VCV000091880.1), dbSNP rs587779377, ClinGen allele CA211214.